The following is an entry in ClinVar:

ClinVar aggregate classification (germline): Pathogenic (1 of 4 stars; one submission).

Submission:

Labcorp Genetics (formerly Invitae), Labcorp
Classification: Pathogenic. Last evaluated: 2022-12-21. Review status: criteria provided, single submitter. Criteria: Invitae Variant Classification Sherloc (09022015). Collection method: clinical testing. Allele origin: germline.
Comment: For these reasons, this variant has been classified as Pathogenic. This variant has not been reported in the literature in individuals affected with AAAS-related conditions. This variant is not present in population databases (gnomAD no frequency). This sequence change creates a premature translational stop signal (p.His72Profs*16) in the AAAS gene. It is expected to result in an absent or disrupted protein product. Loss-of-function variants in AAAS are known to be pathogenic (PMID: 11159947).

Literature cited by the submitters: PubMed 11159947.

NM_015665.6(AAAS):c.211_214dup (p.His72fs)

Gene: AAAS (aladin WD repeat nucleoporin; minus strand). Cytogenetic location: 12q13.13.
Variant type: Microsatellite.
Coding change: c.211_214dup on transcript NM_015665.6 (MANE Select); coding-DNA positions 211 to 214, 4 bases duplicated (CATC; older notation c.211_214dupCATC).
Protein change: p.His72fs; shifts the reading frame from histidine 72.
Molecular consequence: frameshift variant.
Genome position (GRCh38, 1-based): chr12:53,320,602-53,320,605, GATG duplicated on the plus strand (CATC on the coding strand, the reverse complement: AAAS is on the minus strand); duplicating any 4 consecutive bases within chr12:53,320,602-53,320,609 gives the same sequence; the c. name uses the placement nearest the transcript's 3' end. VCF-style (leftmost placement, unchanged base first): chr12-53320601-T-TGATG. GRCh37 (hg19) VCF-style: chr12-53714385-T-TGATG.
Other names: c.211_214dup, p.His72fs (NM_001173466.2); short protein forms H72fs.
Identifiers: ClinVar variation 2822831 (VCV002822831.3), dbSNP rs2498641381, ClinGen allele CA2739272078.